The following is an entry in ClinVar:

NM_153614.4(DNAJB13):c.73C>A (p.Arg25Ser)

Gene: DNAJB13 (DnaJ heat shock protein family (Hsp40) member B13; plus strand). Cytogenetic location: 11q13.4.
Variant type: single nucleotide variant.
Coding change: c.73C>A on transcript NM_153614.4 (MANE Select); coding-DNA position 73, C replaced by A.
Protein change: p.Arg25Ser; replaces arginine 25 with serine.
Molecular consequence: missense variant. On other transcripts: 5 prime UTR variant (1).
Genome position (GRCh38, 1-based): chr11:73,958,321, C>A. VCF-style: chr11-73958321-C-A. GRCh37 (hg19) VCF-style: chr11-73669366-C-A.
Other names: c.-233C>A (NM_001377263.1); short protein forms R25S.
Identifiers: ClinVar variation 1442004 (VCV001442004.4), dbSNP rs375603870, ClinGen allele CA6180593.

ClinVar aggregate classification (germline): Uncertain significance (1 of 4 stars; one submission).

Allele frequency attached by ClinVar (database versions not stated): TOPMed below 0.00001; gnomAD 0.00004; ESP Exome Variant Server 0.00008.
gnomAD v4.1: 49 of 1,613,898 alleles (0.003%); highest among the groups gnomAD compares: Non-Finnish European, 0.004%; no homozygotes.

Submissions (2):

Labcorp Genetics (formerly Invitae), Labcorp
Classification: Uncertain significance. Last evaluated: 2022-08-31. Review status: criteria provided, single submitter. Criteria: Invitae Variant Classification Sherloc (09022015). Collection method: clinical testing. Allele origin: germline.
Comment: This sequence change replaces arginine, which is basic and polar, with serine, which is neutral and polar, at codon 25 of the DNAJB13 protein (p.Arg25Ser). This variant is present in population databases (rs375603870, gnomAD 0.01%). This variant has not been reported in the literature in individuals affected with DNAJB13-related conditions. ClinVar contains an entry for this variant (Variation ID: 1442004). Algorithms developed to predict the effect of missense changes on protein structure and function are either unavailable or do not agree on the potential impact of this missense change (SIFT: "Deleterious"; PolyPhen-2: "Probably Damaging"; Align-GVGD: "Class C0"). Algorithms developed to predict the effect of sequence changes on RNA splicing suggest that this variant may create or strengthen a splice site. In summary, the available evidence is currently insufficient to determine the role of this variant in disease. Therefore, it has been classified as a Variant of Uncertain Significance.

Dr. Peter K. Rogan Lab, Western University
No classification provided (evidence only). Condition: Ovarian serous cystadenocarcinoma. Review status: no classification provided. Collection method: in vitro. Allele origin: not applicable. Functional consequence: retained intron. Not counted in ClinVar's aggregate classification.